The following is an entry in ClinVar:

NM_001374353.1(GLI2):c.1633-5C>T

Gene: GLI2 (GLI family zinc finger 2; plus strand). Cytogenetic location: 2q14.2.
Variant type: single nucleotide variant.
Coding change: c.1633-5C>T on transcript NM_001374353.1 (MANE Select); 5 bases into the intron before coding-DNA position 1633, C replaced by T.
Molecular consequence: intron variant.
Genome position (GRCh38, 1-based): chr2:120,984,466, C>T. VCF-style: chr2-120984466-C-T. GRCh37 (hg19) VCF-style: chr2-121742042-C-T.
Other names: c.1684-5C>T (NM_001371271.1, NM_005270.5); c.1258-5C>T (NM_001374354.1).
Identifiers: ClinVar variation 1630120 (VCV001630120.9), dbSNP rs551256208, ClinGen allele CA1851992.

ClinVar aggregate classification (germline): Likely benign. Review status: criteria provided, multiple submitters, no conflicts (2 of 4 stars). 2 submissions from 2 submitters: Likely benign (2). Last evaluated 2025-03-31.

Conditions:
Holoprosencephaly 9 (HPE9). Also called: HOLOPROSENCEPHALY WITH MICROPHTHALMIA AND FIRST BRANCHIAL ARCH ANOMALIES; PITUITARY ANOMALIES WITH HOLOPROSENCEPHALY-LIKE FEATURES. Identifiers: Orphanet 2162, MedGen C1835819, MONDO:0012563, OMIM 610829.
Postaxial polydactyly-anterior pituitary anomalies-facial dysmorphism syndrome. Also called: Culler-Jones syndrome. Identifiers: Orphanet 420584, MedGen C4014479, MONDO:0014369, OMIM 615849.

Allele frequency attached by ClinVar (database versions not stated): ExAC 0.00002; gnomAD 0.00002; gnomAD exomes 0.00002 and 0.00003; 1000 Genomes Project 30x 0.00016; 1000 Genomes Project 0.00020.
gnomAD v4.1: 27 of 1,614,144 alleles (0.0017%); highest among the groups gnomAD compares: South Asian, 0.026%; no homozygotes.

Submissions (2):

Women's Health and Genetics/Laboratory Corporation of America, LabCorp
Classification: Likely benign. Last evaluated: 2025-03-31. Review status: criteria provided, single submitter. Criteria: LabCorp Variant Classification Summary - May 2015. Collection method: clinical testing. Allele origin: germline.
Comment: Variant summary: GLI2 c.1684-5C>T alters a non-conserved nucleotide in intron 11. Consensus agreement among computation tools predict no significant impact on normal splicing. However, these predictions have yet to be confirmed by functional studies. The variant allele was found at a frequency of 2.8e-05 in 250844 control chromosomes. The available data on variant occurrences in the general population are insufficient to allow any conclusion about variant significance. To our knowledge, no occurrence of c.1684-5C>T in individuals affected with GLI2-Related Disorders and no experimental evidence demonstrating its impact on protein function have been reported. ClinVar contains an entry for this variant (Variation ID: 1630120). Based on the evidence outlined above, the variant was classified as likely benign.

Labcorp Genetics (formerly Invitae), Labcorp
Classification: Likely benign for Postaxial polydactyly-anterior pituitary anomalies-facial dysmorphism syndrome; Holoprosencephaly 9. Last evaluated: 2021-10-27. Review status: criteria provided, single submitter. Criteria: Invitae Variant Classification Sherloc (09022015). Collection method: clinical testing. Allele origin: germline.